The following is an entry in ClinVar:

NM_053025.4(MYLK):c.374-7C>T

Gene: MYLK (myosin light chain kinase; minus strand). Cytogenetic location: 3q21.1.
Variant type: single nucleotide variant.
Coding change: c.374-7C>T on transcript NM_053025.4 (MANE Select); 7 bases into the intron before coding-DNA position 374, C replaced by T.
Molecular consequence: intron variant.
Genome position (GRCh38, 1-based): chr3:123,740,008, G>A on the plus strand (C>T on the coding strand, the complement: MYLK is on the minus strand). VCF-style: chr3-123740008-G-A. GRCh37 (hg19) VCF-style: chr3-123458855-G-A.
Other names: c.-155-7C>T (NM_001321309.2); c.374-7C>T (NM_053028.4, NM_053026.4, NM_053027.4).
Identifiers: ClinVar variation 509339 (VCV000509339.5), dbSNP rs1553826494, ClinGen allele CA545983680.
Genomic context (GRCh38, chr3:123,740,008, plus strand): 5'-CTTACCCTAAGGTTTTGGAAACAACAGGCTGACCAAGCTGCTTCGCAAAACTTCCTGCAA[G>A]AAAAAGAGTTGATGAGTCAGGTCTGAGCCACCAACTTGGAGCAATGAAAGTAAAAAGATT-3'

ClinVar aggregate classification (germline): Likely benign. Review status: criteria provided, multiple submitters, no conflicts (2 of 4 stars). 2 submissions from 2 submitters: Likely benign (2). Last evaluated 2024-11-26.

Conditions:
Aortic aneurysm, familial thoracic 7 (AAT7). Also called: AORTIC DISSECTION, FAMILIAL, WITH OR WITHOUT AORTIC ANEURYSM. Identifiers: MedGen C3151077, MONDO:0013418, OMIM 613780.

Allele frequency attached by ClinVar (database versions not stated): gnomAD exomes 0.00001.
gnomAD v4.1: 13 of 1,613,686 alleles (0.00081%); highest among the groups gnomAD compares: Non-Finnish European, 0.001%; no homozygotes.

Submissions (2):

Labcorp Genetics (formerly Invitae), Labcorp
Classification: Likely benign for Aortic aneurysm, familial thoracic 7. Last evaluated: 2024-11-26. Review status: criteria provided, single submitter. Criteria: Invitae Variant Classification Sherloc (09022015). Collection method: clinical testing. Allele origin: germline.

GeneDx
Classification: Likely benign. Last evaluated: 2017-05-01. Review status: criteria provided, single submitter. Criteria: GeneDx Variant Classification (06012015). Collection method: clinical testing. Allele origin: germline. Affected: yes.
Comment: This variant is considered likely benign or benign based on one or more of the following criteria: it is a conservative change, it occurs at a poorly conserved position in the protein, it is predicted to be benign by multiple in silico algorithms, and/or has population frequency not consistent with disease.